The following is an entry in ClinVar:

NC_000023.11:g.101841377GTG[7]

Gene: NXF5 (nuclear RNA export factor 5; minus strand). Cytogenetic location: Xq22.1.
Variant type: Microsatellite.
Genome position: GRCh38 VCF-style: chrX-101841374-ATGG-A. GRCh37 (hg19) VCF-style: chrX-101096346-ATGG-A.
Identifiers: ClinVar variation 4795396 (VCV004795396.1).

ClinVar aggregate classification (germline): Likely benign (1 of 4 stars; one submission).

Submission:

GeneDx
Classification: Likely benign. Last evaluated: 2019-08-20. Review status: criteria provided, single submitter. Criteria: GeneDx Variant Classification Process June 2021. Collection method: clinical testing. Allele origin: germline. Affected: yes.
Comment: See Variant Classification Assertion Criteria.